The following is an entry in ClinVar:

NM_207391.3(RGS9BP):c.262_263delinsAA (p.Leu88Lys)

Genes: RGS9BP (regulator of G protein signaling 9 binding protein; plus strand), LOC130064161 (ATAC-STARR-seq lymphoblastoid active region 14432; plus strand). Cytogenetic location: 19q13.11.
Variant type: Indel.
Coding change: c.262_263delinsAA on transcript NM_207391.3 (MANE Select); coding-DNA positions 262 to 263, CT replaced by AA.
Protein change: p.Leu88Lys; replaces leucine 88 with lysine.
Molecular consequence: missense variant.
Genome position (GRCh38, 1-based): chr19:32,676,525-32,676,526, CT replaced by AA. VCF-style: chr19-32676525-CT-AA. GRCh37 (hg19) VCF-style: chr19-33167431-CT-AA.
Other names: short protein forms L88K.
Identifiers: ClinVar variation 1461766 (VCV001461766.6), dbSNP rs2145338848, ClinGen allele CA2573156225.
Genomic context (GRCh38, chr19:32,676,525, plus strand): 5'-GCCGCCGACGAGCGCGCCGAGTTCGAGCGGCTCTGGGTGGCCTTCTCGGGCTGCCTGGAC[CT>AA]GCTGGAAGCGGACATGCGACGCGCGCTGGAGCTGGGCGCCGCGTTCCCGCTGCACGCGCC-3'
Protein context (NP_997274.2, residues 78-98): LWVAFSGCLD[Leu88Lys]LEADMRRALE

ClinVar aggregate classification (germline): Uncertain significance (1 of 4 stars; one submission).

Submission:

Labcorp Genetics (formerly Invitae), Labcorp
Classification: Uncertain significance. Last evaluated: 2021-04-01. Review status: criteria provided, single submitter. Criteria: Invitae Variant Classification Sherloc (09022015). Collection method: clinical testing. Allele origin: germline.
Comment: In summary, the available evidence is currently insufficient to determine the role of this variant in disease. Therefore, it has been classified as a Variant of Uncertain Significance. Algorithms developed to predict the effect of missense changes on protein structure and function are either unavailable or do not agree on the potential impact of this missense change (SIFT: "Not Available"; PolyPhen-2: "Probably Damaging"; Align-GVGD: "Not Available"). This variant has not been reported in the literature in individuals with RGS9BP-related conditions. The frequency data for this variant in the population databases is considered unreliable, as metrics indicate insufficient coverage at this position in the ExAC database. This sequence change replaces leucine with lysine at codon 88 of the RGS9BP protein (p.Leu88Lys). The leucine residue is moderately conserved and there is a moderate physicochemical difference between leucine and lysine.